The following is an entry in ClinVar:

ClinVar aggregate classification (germline): Uncertain significance. Review status: criteria provided, multiple submitters, no conflicts (2 of 4 stars). 2 submissions from 2 submitters: Uncertain significance (2). Last evaluated 2024-08-05.

Conditions:
GM3 synthase deficiency (SPDRS). Also called: AMISH INFANTILE EPILEPSY SYNDROME; SALT AND PEPPER MENTAL RETARDATION SYNDROME; SALT AND PEPPER DEVELOPMENTAL REGRESSION SYNDROME. Identifiers: Orphanet 171714, Orphanet 370933, MedGen C1836824, MONDO:0018274, OMIM 609056.

Allele frequency attached by ClinVar (database versions not stated): ExAC 0.00001; gnomAD 0.00001; gnomAD exomes 0.00001; TOPMed 0.00001.
gnomAD v4.1: 16 of 1,614,096 alleles (0.00099%); highest among the groups gnomAD compares: African/African-American, 0.0013%; no homozygotes.

Submissions (2):

Mayo Clinic Laboratories, Mayo Clinic
Classification: Uncertain significance. Last evaluated: 2024-08-05. Review status: criteria provided, single submitter. Criteria: ACMG Guidelines, 2015. Collection method: clinical testing. Allele origin: germline. Observed: 1 variant allele.
Comment: PP3_moderate, PM2

Labcorp Genetics (formerly Invitae), Labcorp
Classification: Uncertain significance for GM3 synthase deficiency. Last evaluated: 2023-11-10. Review status: criteria provided, single submitter. Criteria: Invitae Variant Classification Sherloc (09022015). Collection method: clinical testing. Allele origin: germline.
Comment: This sequence change replaces isoleucine, which is neutral and non-polar, with lysine, which is basic and polar, at codon 240 of the ST3GAL5 protein (p.Ile240Lys). This variant is present in population databases (rs746167660, gnomAD 0.003%). This variant has not been reported in the literature in individuals affected with ST3GAL5-related conditions. Advanced modeling of protein sequence and biophysical properties (such as structural, functional, and spatial information, amino acid conservation, physicochemical variation, residue mobility, and thermodynamic stability) performed at Invitae indicates that this missense variant is expected to disrupt ST3GAL5 protein function with a positive predictive value of 80%. In summary, the available evidence is currently insufficient to determine the role of this variant in disease. Therefore, it has been classified as a Variant of Uncertain Significance.

Literature cited by the submitters: PubMed 36719165 (cited by Mayo Clinic Laboratories, Mayo Clinic).

NM_003896.4(ST3GAL5):c.719T>A (p.Ile240Lys)

Gene: ST3GAL5 (ST3 beta-galactoside alpha-2,3-sialyltransferase 5; minus strand). Cytogenetic location: 2p11.2.
Variant type: single nucleotide variant.
Coding change: c.719T>A on transcript NM_003896.4 (MANE Select); coding-DNA position 719, T replaced by A.
Protein change: p.Ile240Lys; replaces isoleucine 240 with lysine.
Molecular consequence: missense variant. On other transcripts: 5 prime UTR variant (1).
Genome position (GRCh38, 1-based): chr2:85,846,507, A>T on the plus strand (T>A on the coding strand, the complement: ST3GAL5 is on the minus strand). VCF-style: chr2-85846507-A-T. GRCh37 (hg19) VCF-style: chr2-86073630-A-T.
Other names: p.Ile240Lys; c.650T>A, p.Ile217Lys (NM_001042437.2); c.335T>A, p.Ile112Lys (NM_001354223.2, NM_001354224.2, NM_001354226.2 and 3 more transcripts); c.635T>A, p.Ile212Lys (NM_001354227.2, NM_001354229.2, NM_001354238.1); c.-5T>A (NM_001354247.1); c.719T>A, p.Ile240Lys (NM_001363847.1); short protein forms I112K, I240K, I212K, I217K.
Identifiers: ClinVar variation 2703487 (VCV002703487.2), dbSNP rs746167660, ClinGen allele CA1744983.